The following is an entry in ClinVar:

ClinVar aggregate classification (germline): Uncertain significance. Review status: criteria provided, multiple submitters, no conflicts (2 of 4 stars). 2 submissions from 2 submitters: Uncertain significance (2). Last evaluated 2025-05-22.

Conditions:
Hereditary cancer-predisposing syndrome. Also called: Neoplastic Syndromes, Hereditary; Tumor predisposition; Hereditary Cancer Syndrome; Hereditary neoplastic syndrome. Identifiers: Orphanet 140162, MedGen C0027672, MeSH D009386, MONDO:0015356.
Tuberous sclerosis 2 (TSC2). Identifiers: Orphanet 805, MedGen C1860707, MONDO:0013199, OMIM 613254.

Submissions (2):

Labcorp Genetics (formerly Invitae), Labcorp
Classification: Uncertain significance for Tuberous sclerosis 2. Last evaluated: 2025-05-22. Review status: criteria provided, single submitter. Criteria: Invitae Variant Classification Sherloc (09022015). Collection method: clinical testing. Allele origin: germline.
Comment: This sequence change replaces serine, which is neutral and polar, with asparagine, which is neutral and polar, at codon 1072 of the TSC2 protein (p.Ser1072Asn). This variant is not present in population databases (gnomAD no frequency). This variant has not been reported in the literature in individuals affected with TSC2-related conditions. ClinVar contains an entry for this variant (Variation ID: 1728983). Invitae Evidence Modeling of protein sequence and biophysical properties (such as structural, functional, and spatial information, amino acid conservation, physicochemical variation, residue mobility, and thermodynamic stability) indicates that this missense variant is not expected to disrupt TSC2 protein function with a negative predictive value of 95%. In summary, the available evidence is currently insufficient to determine the role of this variant in disease. Therefore, it has been classified as a Variant of Uncertain Significance.

Ambry Genetics
Classification: Uncertain significance for Hereditary cancer-predisposing syndrome. Last evaluated: 2020-06-24. Review status: criteria provided, single submitter. Criteria: Ambry Variant Classification Scheme 2023. Collection method: clinical testing. Allele origin: germline.
Comment: The p.S1072N variant (also known as c.3215G>A), located in coding exon 27 of the TSC2 gene, results from a G to A substitution at nucleotide position 3215. The serine at codon 1072 is replaced by asparagine, an amino acid with highly similar properties. This amino acid position is highly conserved in available vertebrate species. In addition, the in silico prediction for this alteration is inconclusive. Since supporting evidence is limited at this time, the clinical significance of this alteration remains unclear.

NM_000548.5(TSC2):c.3215G>A (p.Ser1072Asn)

Gene: TSC2 (TSC complex subunit 2; plus strand). Cytogenetic location: 16p13.3.
Variant type: single nucleotide variant.
Coding change: c.3215G>A on transcript NM_000548.5 (MANE Select); coding-DNA position 3215, G replaced by A.
Protein change: p.Ser1072Asn; replaces serine 1072 with asparagine.
Molecular consequence: missense variant.
Genome position (GRCh38, 1-based): chr16:2,079,359, G>A. VCF-style: chr16-2079359-G-A. GRCh37 (hg19) VCF-style: chr16-2129360-G-A.
Other names: c.3083G>A, p.Ser1028Asn (NM_001077183.3, NM_001370404.1, NM_001406665.1); c.3215G>A, p.Ser1072Asn (NM_001114382.3); c.2975G>A, p.Ser992Asn (NM_001318827.2); c.2939G>A, p.Ser980Asn (NM_001318829.2); c.2483G>A, p.Ser828Asn (NM_001318831.2, NM_001406687.1, NM_001406688.1); c.3116G>A, p.Ser1039Asn (NM_001318832.2); c.3086G>A, p.Ser1029Asn (NM_001363528.2, NM_001370405.1, NM_021055.3); c.3212G>A, p.Ser1071Asn (NM_001406663.1, NM_001406664.1); and 18 more; short protein forms S1025N, S1035N, S1072N, S580N, S581N, S979N, S991N, S1023N.
Identifiers: ClinVar variation 1728983 (VCV001728983.3), dbSNP rs2151439187, ClinGen allele CA394285876.